The following is an entry in ClinVar:

ClinVar aggregate classification (germline): Uncertain significance (1 of 4 stars; one submission).

Conditions:
Hypertrophic cardiomyopathy. Also called: HYPERTROPHIC MYOCARDIOPATHY. Identifiers: Orphanet 217569, MedGen C0007194, MeSH D002312, MONDO:0005045, HP:0001639.

Allele frequency attached by ClinVar (database versions not stated): gnomAD exomes below 0.00001; ExAC 0.00001.

Submission:

Labcorp Genetics (formerly Invitae), Labcorp
Classification: Uncertain significance for Hypertrophic cardiomyopathy. Last evaluated: 2021-05-31. Review status: criteria provided, single submitter. Criteria: Invitae Variant Classification Sherloc (09022015). Collection method: clinical testing. Allele origin: germline.
Comment: This sequence change creates a premature translational stop signal (p.Val1544Trpfs*18) in the MYOM1 gene. It is expected to result in an absent or disrupted protein product. However, the current clinical and genetic evidence is not sufficient to establish whether loss-of-function variants in MYOM1 cause disease. This variant is present in population databases (rs781638129, ExAC 0.002%). This variant has not been reported in the literature in individuals with MYOM1-related conditions. In summary, the available evidence is currently insufficient to determine the role of this variant in disease. Therefore, it has been classified as a Variant of Uncertain Significance.

NM_003803.4(MYOM1):c.4630del (p.Val1544fs)

Gene: MYOM1 (myomesin 1; minus strand). Cytogenetic location: 18p11.31.
Variant type: Deletion.
Coding change: c.4630del on transcript NM_003803.4 (MANE Select); coding-DNA position 4630, one base deleted (G; older notation c.4630delG).
Protein change: p.Val1544fs; shifts the reading frame from valine 1544.
Molecular consequence: frameshift variant.
Genome position (GRCh38, 1-based): chr18:3,079,197, C deleted on the plus strand (G on the coding strand, the reverse complement: MYOM1 is on the minus strand). VCF-style (leftmost placement, unchanged base first): chr18-3079196-AC-A. GRCh37 (hg19) VCF-style: chr18-3079194-AC-A.
Other names: c.4342del, p.Val1448fs (NM_019856.2); short protein forms V1448fs, V1544fs.
Identifiers: ClinVar variation 1465442 (VCV001465442.6), dbSNP rs781638129, ClinGen allele CA8873893.
Genomic context (GRCh38, chr18:3,079,196, plus strand): 5'-CATTCATCTAGAGTAAATTTGAATCTGCAAAATATCTGTTTACCTTGTCCAGAGAGATCC[AC>A]TGTCTTCTGATGTCCAGTTTTGCCATCAAAGAGCTCCATGACATACTTCCCTTTGTCATT-3'